The following is an entry in ClinVar:

ClinVar aggregate classification (germline): Uncertain significance. Review status: criteria provided, multiple submitters, no conflicts (2 of 4 stars). 2 submissions from 2 submitters: Uncertain significance (2). Last evaluated 2026-01-22.

Conditions:
Inborn genetic diseases. Identifiers: MedGen C0950123, MeSH D030342.
Fanconi anemia complementation group A (FANCA). Also called: FANCA-Related Fanconi Anemia; Fanconi anemia, group A. Identifiers: Orphanet 84, MedGen C3469521, MONDO:0009215, OMIM 227650.

Submissions (2):

Ambry Genetics
Classification: Uncertain significance for Inborn genetic diseases. Last evaluated: 2026-01-22. Review status: criteria provided, single submitter. Criteria: Ambry Variant Classification Scheme 2023. Collection method: clinical testing. Allele origin: germline.
Comment: The p.I1234T variant (also known as c.3701T>C), located in coding exon 37 of the FANCA gene, results from a T to C substitution at nucleotide position 3701. The isoleucine at codon 1234 is replaced by threonine, an amino acid with similar properties. This amino acid position is conserved. In addition, the in silico prediction for this alteration is inconclusive. Based on the available evidence, the clinical significance of this variant remains unclear.

Illumina Laboratory Services, Illumina
Classification: Uncertain significance for Fanconi anemia complementation group A. Last evaluated: 2018-01-13. Review status: criteria provided, single submitter. Criteria: ICSL Variant Classification Criteria 13 December 2019. Collection method: clinical testing. Allele origin: germline.

NM_000135.4(FANCA):c.3701T>C (p.Ile1234Thr)

Gene: FANCA (FA complementation group A; minus strand). Cytogenetic location: 16q24.3.
Variant type: single nucleotide variant.
Coding change: c.3701T>C on transcript NM_000135.4 (MANE Select); coding-DNA position 3701, T replaced by C.
Protein change: p.Ile1234Thr; replaces isoleucine 1234 with threonine.
Molecular consequence: missense variant.
Genome position (GRCh38, 1-based): chr16:89,742,864, A>G on the plus strand (T>C on the coding strand, the complement: FANCA is on the minus strand). VCF-style: chr16-89742864-A-G. GRCh37 (hg19) VCF-style: chr16-89809272-A-G.
Other names: c.3701T>C (LRG_495t1); c.3701T>C, p.Ile1234Thr (NM_001286167.3); short protein forms I1234T.
Identifiers: ClinVar variation 321334 (VCV000321334.6), dbSNP rs886052481, ClinGen allele CA10644640.